The following is an entry in ClinVar:

ClinVar aggregate classification (germline): Likely benign (1 of 4 stars; one submission).

Conditions:
Maturity-onset diabetes of the young (MODY). Also called: Maturity onset diabetes mellitus in young. Identifiers: Orphanet 552, MedGen C0342276, MONDO:0018911, HP:0004904.

Allele frequency attached by ClinVar (database versions not stated): ExAC 0.00001.
gnomAD v4.1: 1 of 1,613,096 alleles (0.000062%); no homozygotes.

Submission:

Clinical Genomics, Uppaluri K&H Personalized Medicine Clinic
Classification: Likely benign for Maturity-onset diabetes of the young. Review status: criteria provided, single submitter. Criteria: K & H Uppaluri Personalized Medicine Clinic Variant Classification & Assertion Criteria_Updated V.1. Collection method: research. Allele origin: unknown. Inheritance: Autosomal dominant inheritance.
Comment: Mutations in HNF1A gene can predispose to MODY3. It is associated with both micro and macrovascular complications of diabetes, especially cardiovascular complications. Associated with glucosuria. May respond well to sulfonylureas. However, more evidence is required to confer the association of this particular variant rs746020457 with MODY3.

Literature cited by the submitters: PubMed 31517624; PubMed 32395877; PubMed 35328643; PubMed 35673428.

NM_000545.8(HNF1A):c.30G>T (p.Thr10=)

Gene: HNF1A (HNF1 homeobox A; plus strand). Cytogenetic location: 12q24.31.
Variant type: single nucleotide variant.
Coding change: c.30G>T on transcript NM_000545.8 (MANE Select); coding-DNA position 30, G replaced by T.
Protein change: p.Thr10=; no amino-acid change (threonine 10 retained).
Molecular consequence: synonymous variant.
Genome position (GRCh38, 1-based): chr12:120,978,798, G>T. VCF-style: chr12-120978798-G-T. GRCh37 (hg19) VCF-style: chr12-121416601-G-T.
Other names: c.30G>T, p.Thr10= (NM_001306179.2, NM_001406915.1).
Identifiers: ClinVar variation 1727227 (VCV001727227.1), dbSNP rs746020457, ClinGen allele CA6831655.